The following is an entry in ClinVar:

NM_001114753.3(ENG):c.761_767dup (p.Pro257fs)

Gene: ENG (endoglin; minus strand). Cytogenetic location: 9q34.11.
Variant type: Duplication.
Coding change: c.761_767dup on transcript NM_001114753.3 (MANE Select); coding-DNA positions 761 to 767, 7 bases duplicated (AGGGTCC; older notation c.761_767dupAGGGTCC).
Protein change: p.Pro257fs; shifts the reading frame from proline 257.
Molecular consequence: frameshift variant.
Genome position (GRCh38, 1-based): chr9:127,825,280-127,825,286, GGACCCT duplicated on the plus strand (AGGGTCC on the coding strand, the reverse complement: ENG is on the minus strand); duplicating any 7 consecutive bases within chr9:127,825,280-127,825,287 gives the same sequence; the c. name uses the placement nearest the transcript's 3' end. VCF-style (leftmost placement, unchanged base first): chr9-127825279-G-GGGACCCT. GRCh37 (hg19) VCF-style: chr9-130587558-G-GGGACCCT.
Other names: c.760_766dup, p.Pro257Glyfs (NM_001406715.1, NM_000118.4); c.215_221dup, p.Pro75fs (NM_001278138.2); c.767_768insAGGGTCC (NM_000118.3); short protein forms P257fs, P75fs.
Identifiers: ClinVar variation 982479 (VCV000982479.3), dbSNP rs1830580607, ClinGen allele CA1139661212.

ClinVar aggregate classification (germline): Pathogenic (1 of 4 stars; one submission).

Conditions:
Telangiectasia, hereditary hemorrhagic, type 1 (HHT1). Also called: Osler Weber Rendu syndrome type 1; ENG-Related Hereditary Hemorrhagic Telangiectasia. Identifiers: Orphanet 774, MedGen C4551861, MONDO:0008535, OMIM 187300. Disease mechanism: loss of function.

Submission:

NIHR Bioresource Rare Diseases, University of Cambridge
Classification: Pathogenic for Telangiectasia, hereditary hemorrhagic, type 1. Last evaluated: 2018-01-01. Review status: criteria provided, single submitter. Criteria: ACMG Guidelines, 2015. Collection method: research. Allele origin: unknown. Affected: yes. Observed: 1 variant allele.
Comment: PVS1+PM2+PP4

Literature cited by the submitters: PubMed 32573726.